The following is an entry in ClinVar:

ClinVar aggregate classification (germline): Uncertain significance (1 of 4 stars; one submission).

Conditions:
Mucopolysaccharidosis, MPS-IV-B (MPS4B). Also called: Mucopolysaccharidosis type IV B; Mucopolysaccharidosis Type IVB; Mucopolysaccharidosis type IVB (Morquio); MPS IVB; MORQUIO SYNDROME B; Mucopolysaccharidosis Type IVB (Morquio B Disease). Identifiers: Orphanet 309310, Orphanet 582, MedGen C0086652, MONDO:0009660, OMIM 253010.
GM1 gangliosidosis. Identifiers: Orphanet 354, MedGen C0085131, MONDO:0018149.

Allele frequency attached by ClinVar (database versions not stated): TOPMed below 0.00001.

Submission:

Labcorp Genetics (formerly Invitae), Labcorp
Classification: Uncertain significance for Mucopolysaccharidosis, MPS-IV-B; GM1 gangliosidosis. Last evaluated: 2022-02-09. Review status: criteria provided, single submitter. Criteria: Invitae Variant Classification Sherloc (09022015). Collection method: clinical testing. Allele origin: germline.
Comment: This sequence change replaces threonine, which is neutral and polar, with alanine, which is neutral and non-polar, at codon 462 of the GLB1 protein (p.Thr462Ala). This variant is not present in population databases (gnomAD no frequency). This variant has not been reported in the literature in individuals affected with GLB1-related conditions. Advanced modeling of protein sequence and biophysical properties (such as structural, functional, and spatial information, amino acid conservation, physicochemical variation, residue mobility, and thermodynamic stability) performed at Invitae indicates that this missense variant is not expected to disrupt GLB1 protein function. In summary, the available evidence is currently insufficient to determine the role of this variant in disease. Therefore, it has been classified as a Variant of Uncertain Significance.

NM_000404.4(GLB1):c.1384A>G (p.Thr462Ala)

Gene: GLB1 (galactosidase beta 1; minus strand). Cytogenetic location: 3p22.3.
Variant type: single nucleotide variant.
Coding change: c.1384A>G on transcript NM_000404.4 (MANE Select); coding-DNA position 1384, A replaced by G.
Protein change: p.Thr462Ala; replaces threonine 462 with alanine.
Molecular consequence: missense variant.
Genome position (GRCh38, 1-based): chr3:33,016,804, T>C on the plus strand (A>G on the coding strand, the complement: GLB1 is on the minus strand). VCF-style: chr3-33016804-T-C. GRCh37 (hg19) VCF-style: chr3-33058296-T-C.
Other names: c.1294A>G, p.Thr432Ala (NM_001079811.3); c.991A>G, p.Thr331Ala (NM_001135602.3); c.1528A>G, p.Thr510Ala (NM_001317040.2); c.1384A>G, p.Thr462Ala (NM_001393580.1); short protein forms T331A, T432A, T462A, T510A.
Identifiers: ClinVar variation 2141465 (VCV002141465.1), dbSNP rs1697252909, ClinGen allele CA351989549.